The following is an entry in ClinVar:

ClinVar aggregate classification (germline): Uncertain significance (1 of 4 stars; one submission).

Conditions:
Ataxia-telangiectasia syndrome (AT). Also called: ATAXIA-TELANGIECTASIA, FRESNO VARIANT; Ataxia-telangiectasia, complementation group E; Ataxia telangiectasia (A-T); Cerebello-oculocutaneous telangiectasia; Immunodeficiency with ataxia telangiectasia; LOUIS-BAR SYNDROME. Identifiers: Orphanet 100, MedGen C0004135, MONDO:0008840, OMIM 208900.

Submission:

Labcorp Genetics (formerly Invitae), Labcorp
Classification: Uncertain significance for Ataxia-telangiectasia syndrome. Last evaluated: 2018-07-28. Review status: criteria provided, single submitter. Criteria: Invitae Variant Classification Sherloc (09022015). Collection method: clinical testing. Allele origin: germline.
Comment: This variant has not been reported in the literature in individuals with ATM-related disease. In summary, the available evidence is currently insufficient to determine the role of this variant in disease. Therefore, it has been classified as a Variant of Uncertain Significance. Algorithms developed to predict the effect of missense changes on protein structure and function output the following: SIFT: "Tolerated"; PolyPhen-2: "Benign"; Align-GVGD: "Class C0". The serine amino acid residue is found in multiple mammalian species, suggesting that this missense change does not adversely affect protein function. These predictions have not been confirmed by published functional studies and their clinical significance is uncertain. This variant is not present in population databases (ExAC no frequency). This sequence change replaces glycine with serine at codon 1456 of the ATM protein (p.Gly1456Ser). The glycine residue is moderately conserved and there is a small physicochemical difference between glycine and serine.

NM_000051.4(ATM):c.4366G>A (p.Gly1456Ser)

Gene: ATM (ATM serine/threonine kinase; plus strand). Cytogenetic location: 11q22.3.
Variant type: single nucleotide variant.
Coding change: c.4366G>A on transcript NM_000051.4 (MANE Select); coding-DNA position 4366, G replaced by A.
Protein change: p.Gly1456Ser; replaces glycine 1456 with serine.
Molecular consequence: missense variant.
Genome position (GRCh38, 1-based): chr11:108,289,731, G>A. VCF-style: chr11-108289731-G-A. GRCh37 (hg19) VCF-style: chr11-108160458-G-A.
Other names: c.4366G>A, p.Gly1456Ser (NM_001351834.2); short protein forms G1456S.
Identifiers: ClinVar variation 647391 (VCV000647391.8), dbSNP rs1591663544, ClinGen allele CA382532065.